The following is an entry in ClinVar:

ClinVar aggregate classification (germline): Uncertain significance (1 of 4 stars; one submission).

Conditions:
Ataxia with oculomotor apraxia type 3. Also called: Ataxia-oculomotor apraxia 3. Identifiers: Orphanet 64753, MedGen C3554690, MONDO:0014084, OMIM 615217.

Allele frequency attached by ClinVar (database versions not stated): gnomAD exomes below 0.00001 and 0.00001; TOPMed below 0.00001; ExAC 0.00001; gnomAD 0.00001.
gnomAD v4.1: 8 of 1,614,132 alleles (0.0005%); highest among the groups gnomAD compares: East Asian, 0.0022%; no homozygotes.

Submission:

Baylor Genetics
Classification: Uncertain significance for Ataxia with oculomotor apraxia type 3. Last evaluated: 2020-02-05. Review status: criteria provided, single submitter. Criteria: ACMG Guidelines, 2015. Collection method: clinical testing. Allele origin: unknown. Affected: yes.
Comment: This variant was determined to be of uncertain significance according to ACMG Guidelines, 2015 [PMID:25741868].

NM_001142633.3(PIK3R5):c.2425G>A (p.Gly809Ser)

Gene: PIK3R5 (phosphoinositide-3-kinase regulatory subunit 5; minus strand). Cytogenetic location: 17p13.1.
Variant type: single nucleotide variant.
Coding change: c.2425G>A on transcript NM_001142633.3 (MANE Select); coding-DNA position 2425, G replaced by A.
Protein change: p.Gly809Ser; replaces glycine 809 with serine.
Molecular consequence: missense variant.
Genome position (GRCh38, 1-based): chr17:8,880,975, C>T on the plus strand (G>A on the coding strand, the complement: PIK3R5 is on the minus strand). VCF-style: chr17-8880975-C-T. GRCh37 (hg19) VCF-style: chr17-8784292-C-T.
Other names: c.1267G>A, p.Gly423Ser (NM_001251851.2, NM_001251852.2, NM_001251853.2 and 4 more transcripts); c.2422G>A, p.Gly808Ser (NM_001388396.1); c.1264G>A, p.Gly422Ser (NM_001388400.1); c.2425G>A, p.Gly809Ser (NM_014308.4); short protein forms G423S, G808S, G809S, G422S.
Identifiers: ClinVar variation 1030201 (VCV001030201.1), dbSNP rs746906096, ClinGen allele CA8380214.